The following is an entry in ClinVar:

ClinVar aggregate classification (germline): Benign (1 of 4 stars; one submission).

Conditions:
Hereditary pheochromocytoma and paraganglioma. Also called: Hereditary Paraganglioma-Pheochromocytoma Syndromes; Hereditary paragangliomas and pheochromocytomas; Hereditary pheochromocytoma-paraganglioma. Identifiers: Orphanet 29072, MedGen C4274332, MONDO:0017366.

Allele frequency attached by ClinVar (database versions not stated): gnomAD 0.02024 and 0.02172; 1000 Genomes Project 30x 0.02327; 1000 Genomes Project 0.02296; TOPMed 0.02252; gnomAD exomes 0.00347.

Submission:

Illumina Laboratory Services, Illumina
Classification: Benign for Hereditary Paraganglioma-Pheochromocytoma Syndromes. Last evaluated: 2018-01-29. Review status: criteria provided, single submitter. Criteria: ICSL Variant Classification Criteria 13 December 2019. Collection method: clinical testing. Allele origin: germline.
Comment: This variant was observed as part of a predisposition screen in an ostensibly healthy population. A literature search was performed for the gene, cDNA change, and amino acid change (where applicable). No publications were found based on this search. Allele frequency data from public databases was too high to be consistent with this variant causing disease. Therefore, this variant is classified as benign.

NM_003001.3(SDHC):c.*2156A>C

Gene: SDHC (succinate dehydrogenase complex subunit C; plus strand). Cytogenetic location: 1q23.3.
Variant type: single nucleotide variant.
Coding change: c.*2156A>C on transcript NM_003001.3; 2156 bases downstream of the stop codon, A replaced by C.
Genome position (GRCh38, 1-based): chr1:161,364,589, A>C. VCF-style: chr1-161364589-A-C. GRCh37 (hg19) VCF-style: chr1-161334379-A-C.
Identifiers: ClinVar variation 293366 (VCV000293366.7), dbSNP rs116668612, ClinGen allele CA10608045.
Genomic context (GRCh38, chr1:161,364,589, plus strand): 5'-TTCTTTGAGGTTCTGCCCTTTTTCCATGATTCAGACCAACTTTCTCTTGGTCATTTCTGG[A>C]GTATAACTGACTCAATTCTTGTAAAAATGTGTTCCACCCAAACCACTGTATGTTCTTTTC-3'